The following is an entry in ClinVar:

NM_004738.5(VAPB):c.688T>G (p.Leu230Val)

Gene: VAPB (VAMP associated protein B and C; plus strand). Cytogenetic location: 20q13.32.
Variant type: single nucleotide variant.
Coding change: c.688T>G on transcript NM_004738.5 (MANE Select); coding-DNA position 688, T replaced by G.
Protein change: p.Leu230Val; replaces leucine 230 with valine.
Molecular consequence: missense variant. On other transcripts: 3 prime UTR variant (1), non-coding transcript variant (1).
Genome position (GRCh38, 1-based): chr20:58,444,191, T>G. VCF-style: chr20-58444191-T-G. GRCh37 (hg19) VCF-style: chr20-57019247-T-G.
Other names: c.*26T>G (NM_001195677.2); short protein forms L230V.
Identifiers: ClinVar variation 650970 (VCV000650970.9), dbSNP rs1600821730, ClinGen allele CA409440330.

ClinVar aggregate classification (germline): Uncertain significance (1 of 4 stars; one submission).

Conditions:
Amyotrophic lateral sclerosis type 8 (ALS8). Identifiers: Orphanet 803, MedGen C1837728, MONDO:0012077, OMIM 608627.
Adult-onset proximal spinal muscular atrophy, autosomal dominant. Also called: Spinal muscular atrophy, late-onset, finkel type; FINKEL LATE-ADULT TYPE SMA. Identifiers: Orphanet 209335, MedGen C1854058, MONDO:0008453, OMIM 182980.

Allele frequency attached by ClinVar (database versions not stated): TOPMed below 0.00001; gnomAD exomes 0.00001.
gnomAD v4.1: 12 of 1,614,222 alleles (0.00074%); highest among the groups gnomAD compares: Non-Finnish European, 0.001%; no homozygotes.

Submission:

Labcorp Genetics (formerly Invitae), Labcorp
Classification: Uncertain significance for Adult-onset proximal spinal muscular atrophy, autosomal dominant; Amyotrophic lateral sclerosis type 8. Last evaluated: 2023-11-28. Review status: criteria provided, single submitter. Criteria: Invitae Variant Classification Sherloc (09022015). Collection method: clinical testing. Allele origin: germline.
Comment: This sequence change replaces leucine, which is neutral and non-polar, with valine, which is neutral and non-polar, at codon 230 of the VAPB protein (p.Leu230Val). This variant is not present in population databases (gnomAD no frequency). This variant has not been reported in the literature in individuals affected with VAPB-related conditions. ClinVar contains an entry for this variant (Variation ID: 650970). Advanced modeling of protein sequence and biophysical properties (such as structural, functional, and spatial information, amino acid conservation, physicochemical variation, residue mobility, and thermodynamic stability) performed at Invitae indicates that this missense variant is not expected to disrupt VAPB protein function with a negative predictive value of 80%. In summary, the available evidence is currently insufficient to determine the role of this variant in disease. Therefore, it has been classified as a Variant of Uncertain Significance.